The following is an entry in ClinVar:

NM_004415.4(DSP):c.3134_3136delinsAAA (p.Arg1045_Asp1046delinsGlnAsn)

Gene: DSP (desmoplakin; plus strand). Cytogenetic location: 6p24.3.
Variant type: Indel.
Coding change: c.3134_3136delinsAAA on transcript NM_004415.4 (MANE Select); coding-DNA positions 3134 to 3136, GAG replaced by AAA.
Protein change: p.Arg1045_Asp1046delinsGlnAsn.
Molecular consequence: missense variant.
Genome position (GRCh38, 1-based): chr6:7,579,324-7,579,326, GAG replaced by AAA. VCF-style: chr6-7579324-GAG-AAA. GRCh37 (hg19) VCF-style: chr6-7579557-GAG-AAA.
Other names: c.3134_3136delinsAAA, p.Arg1045_Asp1046delinsGlnAsn (NM_001008844.3, NM_001319034.2).
Identifiers: ClinVar variation 4758198 (VCV004758198.1).

ClinVar aggregate classification (germline): Uncertain significance (1 of 4 stars; one submission).

Conditions:
Cardiomyopathy (CMYO). Also called: Cardiomyopathies. Identifiers: Orphanet 167848, MedGen C0878544, MONDO:0004994, HP:0001638. Inheritance: Various modes of inheritance.

Submission:

Color Diagnostics, LLC DBA Color Health
Classification: Uncertain significance for Cardiomyopathy. Last evaluated: 2025-10-07. Review status: criteria provided, single submitter. Criteria: ACMG Guidelines, 2015. Collection method: clinical testing. Allele origin: germline.
Comment: This variant causes an in-frame substitution of two amino acids at codon 1045 and 1046 in the DSP protein with two novel amino acids (p.Arg1045_Asp1046delinsGlnAsn). To our knowledge, functional studies have not been reported for this variant. This variant has not been reported in individuals affected with DSP-related disorders in the literature. This variant has not been identified in the general population by the Genome Aggregation Database (gnomAD). The available evidence is insufficient to determine the role of this variant in disease conclusively. Therefore, this variant is classified as a Variant of Uncertain Significance.